The following is an entry in ClinVar:

NM_032043.3(BRIP1):c.224G>A (p.Gly75Asp)

Gene: BRIP1 (BRCA1 interacting DNA helicase 1; minus strand). Cytogenetic location: 17q23.2.
Variant type: single nucleotide variant.
Coding change: c.224G>A on transcript NM_032043.3 (MANE Select); coding-DNA position 224, G replaced by A.
Protein change: p.Gly75Asp; replaces glycine 75 with aspartic acid.
Molecular consequence: missense variant.
Genome position (GRCh38, 1-based): chr17:61,857,213, C>T on the plus strand (G>A on the coding strand, the complement: BRIP1 is on the minus strand). VCF-style: chr17-61857213-C-T. GRCh37 (hg19) VCF-style: chr17-59934574-C-T.
Other names: short protein forms G75D.
Identifiers: ClinVar variation 3754958 (VCV003754958.2).

ClinVar aggregate classification (germline): Uncertain significance (1 of 4 stars; one submission).

Conditions:
Fanconi anemia complementation group J. Also called: BRIP1-Related Fanconi Anemia. Identifiers: Orphanet 84, MedGen C1836860, MONDO:0012187, OMIM 609054.
Familial cancer of breast. Also called: BREAST CANCER, FAMILIAL; Hereditary breast cancer; hereditary breast carcinoma. Identifiers: Orphanet 227535, MedGen C0346153, MONDO:0016419, OMIM 114480. Disease mechanism: loss of function.

Submission:

Labcorp Genetics (formerly Invitae), Labcorp
Classification: Uncertain significance for Familial cancer of breast; Fanconi anemia complementation group J. Last evaluated: 2025-02-21. Review status: criteria provided, single submitter. Criteria: Invitae Variant Classification Sherloc (09022015). Collection method: clinical testing. Allele origin: germline.
Comment: This sequence change replaces glycine, which is neutral and non-polar, with aspartic acid, which is acidic and polar, at codon 75 of the BRIP1 protein (p.Gly75Asp). This variant is not present in population databases (gnomAD no frequency). This variant has not been reported in the literature in individuals affected with BRIP1-related conditions. Invitae Evidence Modeling of protein sequence and biophysical properties (such as structural, functional, and spatial information, amino acid conservation, physicochemical variation, residue mobility, and thermodynamic stability) indicates that this missense variant is not expected to disrupt BRIP1 protein function with a negative predictive value of 95%. In summary, the available evidence is currently insufficient to determine the role of this variant in disease. Therefore, it has been classified as a Variant of Uncertain Significance.